The following is an entry in ClinVar:

ClinVar aggregate classification (germline): Uncertain significance (1 of 4 stars; one submission).

Submission:

GeneDx
Classification: Uncertain significance. Last evaluated: 2025-02-05. Review status: criteria provided, single submitter. Criteria: GeneDx Variant Classification Process June 2021. Collection method: clinical testing. Allele origin: germline. Affected: yes.
Comment: Not observed at significant frequency in large population cohorts (gnomAD); In silico analysis indicates that this missense variant does not alter protein structure/function; Has not been previously published as pathogenic or benign to our knowledge; This variant is associated with the following publications: (PMID: 25512093, 25609763, 26100331)

NM_001376.5(DYNC1H1):c.13890G>C (p.Glu4630Asp)

Gene: DYNC1H1 (dynein cytoplasmic 1 heavy chain 1; plus strand). Cytogenetic location: 14q32.31.
Variant type: single nucleotide variant.
Coding change: c.13890G>C on transcript NM_001376.5 (MANE Select); coding-DNA position 13890, G replaced by C.
Protein change: p.Glu4630Asp; replaces glutamic acid 4630 with aspartic acid.
Molecular consequence: missense variant.
Genome position (GRCh38, 1-based): chr14:102,050,512, G>C. VCF-style: chr14-102050512-G-C. GRCh37 (hg19) VCF-style: chr14-102516849-G-C.
Other names: short protein forms E4630D.
Identifiers: ClinVar variation 4074509 (VCV004074509.1).